The following is an entry in ClinVar:

NM_001364905.1(LRBA):c.1249A>G (p.Ile417Val)

Gene: LRBA (LPS responsive beige-like anchor protein; minus strand). Cytogenetic location: 4q31.3.
Variant type: single nucleotide variant.
Coding change: c.1249A>G on transcript NM_001364905.1 (MANE Select); coding-DNA position 1249, A replaced by G.
Protein change: p.Ile417Val; replaces isoleucine 417 with valine.
Molecular consequence: missense variant.
Genome position (GRCh38, 1-based): chr4:150,908,770, T>C on the plus strand (A>G on the coding strand, the complement: LRBA is on the minus strand). VCF-style: chr4-150908770-T-C. GRCh37 (hg19) VCF-style: chr4-151829922-T-C.
Other names: c.1249A>G, p.Ile417Val (NM_001199282.3, NM_001367550.1, NM_006726.5); short protein forms I417V.
Identifiers: ClinVar variation 3603455 (VCV003603455.2).

ClinVar aggregate classification (germline): Uncertain significance (1 of 4 stars; one submission).

Conditions:
Combined immunodeficiency due to LRBA deficiency. Also called: Common variable immunodeficiency 8, with autoimmunity. Identifiers: Orphanet 445018, MedGen C3553512, MONDO:0013863, OMIM 614700.

gnomAD v4.1: 3 of 1,613,840 alleles (0.00019%); highest among the groups gnomAD compares: South Asian, 0.0022%; no homozygotes.

Submission:

Labcorp Genetics (formerly Invitae), Labcorp
Classification: Uncertain significance for Combined immunodeficiency due to LRBA deficiency. Last evaluated: 2024-07-13. Review status: criteria provided, single submitter. Criteria: Invitae Variant Classification Sherloc (09022015). Collection method: clinical testing. Allele origin: germline.
Comment: This sequence change replaces isoleucine, which is neutral and non-polar, with valine, which is neutral and non-polar, at codon 417 of the LRBA protein (p.Ile417Val). This variant is present in population databases (rs768845292, gnomAD 0.003%). This variant has not been reported in the literature in individuals affected with LRBA-related conditions. Advanced modeling of protein sequence and biophysical properties (such as structural, functional, and spatial information, amino acid conservation, physicochemical variation, residue mobility, and thermodynamic stability) performed at Invitae indicates that this missense variant is not expected to disrupt LRBA protein function with a negative predictive value of 80%. In summary, the available evidence is currently insufficient to determine the role of this variant in disease. Therefore, it has been classified as a Variant of Uncertain Significance.